The following is an entry in ClinVar:

ClinVar aggregate classification (germline): Conflicting classifications of pathogenicity. Review status: criteria provided, conflicting classifications (1 of 4 stars). 11 submissions from 11 submitters: Uncertain significance (4); Likely benign (7). Last evaluated 2026-07-06.

Conditions:
Classic or attenuated familial adenomatous polyposis. Identifiers: MedGen CN372698, MONDO:0021057.
APC-related disorder. Also called: APC-related condition.
Hereditary cancer-predisposing syndrome. Also called: Neoplastic Syndromes, Hereditary; Hereditary neoplastic syndrome; Hereditary Cancer Syndrome; Tumor predisposition. Identifiers: Orphanet 140162, MedGen C0027672, MeSH D009386, MONDO:0015356.
Familial adenomatous polyposis 1 (FAP1). Also called: POLYPOSIS, ADENOMATOUS INTESTINAL; FAMILIAL ADENOMATOUS POLYPOSIS 1, ATTENUATED. Identifiers: MedGen C2713442, MONDO:0021056, OMIM 175100. Disease mechanism: loss of function.

Allele frequency attached by ClinVar (database versions not stated): TOPMed 0.00003; gnomAD 0.00007 and 0.00008; gnomAD exomes 0.00008 and 0.00016; ExAC 0.00012.

Submissions (11):

PreventionGenetics, part of Exact Sciences
Classification: Likely benign for APC-related condition. Last evaluated: 2026-07-06. Review status: criteria provided, single submitter. Criteria: ACMG Guidelines, 2015. Collection method: clinical testing. Allele origin: germline.
Comment: This variant is classified as likely benign based on ACMG/AMP sequence variant interpretation guidelines (Richards et al. 2015 PMID: 25741868, with internal and published modifications).

Labcorp Genetics (formerly Invitae), Labcorp
Classification: Likely benign for Familial adenomatous polyposis 1. Last evaluated: 2026-02-02. Review status: criteria provided, single submitter. Criteria: Invitae Variant Classification Sherloc (09022015). Collection method: clinical testing. Allele origin: germline.

Mayo Clinic Laboratories, Mayo Clinic
Classification: Likely benign. Last evaluated: 2025-07-23. Review status: criteria provided, single submitter. Criteria: ACMG Guidelines, 2015. Collection method: clinical testing. Allele origin: germline. Observed: 1 variant allele.
Comment: BS1, BP1

Center for Genomic Medicine, Rigshospitalet, Copenhagen University Hospital
Classification: Likely benign. Last evaluated: 2025-03-04. Review status: criteria provided, single submitter. Criteria: ACMG Guidelines, 2015. Collection method: clinical testing. Allele origin: germline.

All of Us Research Program, National Institutes of Health
Classification: Uncertain significance for Classic or attenuated familial adenomatous polyposis. Last evaluated: 2024-08-01. Review status: criteria provided, single submitter. Criteria: ACMG Guidelines, 2015. Collection method: clinical testing. Allele origin: germline. Inheritance: Autosomal dominant inheritance. Observed: 12 variant alleles, 12 heterozygotes.
Comment: This missense variant replaces glutamic acid with lysine at codon 241 of the APC protein. Computational prediction is inconclusive regarding the impact of this variant on protein structure and function (internally defined REVEL score threshold 0.5 < inconclusive < 0.7, PMID: 27666373). Splice site prediction tools suggest that this variant may not impact RNA splicing and a minigene splicing assay observed normal splicing with the variant (PMID: 29371908). To our knowledge, protein functional studies have not been reported for this variant. This variant has been reported in individuals affected with colorectal cancer (PMID: 15122587). This variant has been identified in 42/282530 chromosomes in the general population by the Genome Aggregation Database (gnomAD). The available evidence is insufficient to determine the role of this variant in disease conclusively. Therefore, this variant is classified as a Variant of Uncertain Significance.

This study involves interpretation of variants in research participants for the purpose of population health screening. Participant phenotype was not available at the time of variant classification. Additional details can be found in publication PMID: 35346344, PMCID: PMC8962531

Color Diagnostics, LLC DBA Color Health
Classification: Uncertain significance for Hereditary cancer-predisposing syndrome. Last evaluated: 2024-04-03. Review status: criteria provided, single submitter. Criteria: ACMG Guidelines, 2015. Collection method: clinical testing. Allele origin: germline.
Comment: This missense variant replaces glutamic acid with lysine at codon 241 of the APC protein. Computational prediction is inconclusive regarding the impact of this variant on protein structure and function. Splice site prediction tools suggest that this variant may not impact RNA splicing and a minigene splicing assay observed normal splicing with the variant (PMID: 29371908). To our knowledge, protein functional studies have not been reported for this variant. This variant has been reported in individuals affected with colorectal cancer (PMID: 15122587). This variant has been identified in 42/282530 chromosomes in the general population by the Genome Aggregation Database (gnomAD). The available evidence is insufficient to determine the role of this variant in disease conclusively. Therefore, this variant is classified as a Variant of Uncertain Significance.

Blueprint Genetics
Classification: Likely benign. Last evaluated: 2022-01-20. Review status: criteria provided, single submitter. Criteria: ACMG Guidelines, 2015. Collection method: clinical testing. Allele origin: germline.

Ambry Genetics
Classification: Likely benign for Hereditary cancer-predisposing syndrome. Last evaluated: 2021-05-21. Review status: criteria provided, single submitter. Criteria: Ambry Variant Classification Scheme 2023. Collection method: clinical testing. Allele origin: germline.

ARUP Laboratories, Molecular Genetics and Genomics, ARUP Laboratories
Classification: Uncertain significance. Last evaluated: 2018-08-14. Review status: criteria provided, single submitter. Criteria: ARUP Molecular Germline Variant Investigation Process. Collection method: clinical testing. Allele origin: germline.
Comment: The APC c.721G>A; p.Glu241Lys variant (rs777603154) is reported in the literature in individuals affected with familial adenomatous polyposis, hereditary colorectal cancer, or breast or gynecological cancer (Dominguez-Valentin 2018, Kanter-Smoler 2006, Zhou 2004). However, this variant was not reported to cosegregate with disease in one family (Zhou 2004), and it co-occurred with a homozygous pathogenic MUTYH p.Pro405Leu variant in affected individuals of another family (Kanter-Smoler 2006). The APC p.Glu241Lys variant is reported in ClinVar (Variation ID: 243106) and is found in the Finnish European population with an overall allele frequency of 0.08% (20/25776 alleles) in the Genome Aggregation Database. The glutamate at codon 241 is highly conserved, but computational analyses (SIFT: damaging, PolyPhen-2: benign) predict conflicting effects of this variant on protein structure/function. Unlike the p.Glu241Lys variant, the vast majority of pathogenic APC variants are truncating nonsense or frameshift variants (see InSiGHt, Kerr 2013). However, given the lack of clinical and functional data, the significance of the p.Glu241Lys variant is uncertain at this time. References: Link to InSiGHt. Dominguez-Valentin M et al. Genetic variants of prospectively demonstrated phenocopies in BRCA1/2 kindreds. Hered Cancer Clin Pract. 2018 Jan 15;16:4. Kanter-Smoler G et al. Novel findings in Swedish patients with MYH-associated polyposis: mutation detection and clinical characterization. Clin Gastroenterol Hepatol. 2006 Apr;4(4):499-506. Kerr SE et al. APC germline mutations in individuals being evaluated for familial adenomatous polyposis: a review of the Mayo Clinic experience with 1591 consecutive tests. J Mol Diagn. 2013 Jan;15(1):31-43. Zhou XL et al. Definition of candidate low risk APC alleles in a Swedish population. Int J Cancer. 2004 Jul 1;110(4):550-7.

Women's Health and Genetics/Laboratory Corporation of America, LabCorp
Classification: Likely benign. Last evaluated: 2018-07-09. Review status: criteria provided, single submitter. Criteria: LabCorp Variant Classification Summary - May 2015. Collection method: clinical testing. Allele origin: germline.
Comment: Variant summary: APC c.721G>A (p.Glu241Lys) results in a conservative amino acid change in the encoded protein sequence. Three of five in-silico tools predict a benign effect of the variant on protein function. 5/5 computational tools predict no significant impact on normal splicing, which has been confirmed by a minigene assay (Dominguez-Valentin_2018). The variant allele was found at a frequency of 0.00015 in 277086 control chromosomes. The observed variant frequency is approximately 2.0 fold of the estimated maximal expected allele frequency for a pathogenic variant in APC causing Familial Adenomatous Polyposis phenotype (7.1e-05), strongly suggesting that the variant is benign. c.721G>A has been reported in the literature in individuals affected with Familial Adenomatous Polyposis or other types of cancer. At-least one recent publication classified this variant as probably benign (Zhang_2015). Another publication reported its presence in a patient diagnosed with congenital erythropoietic porphyria (CEP) by biochemical testing and confirmed DNA analysis showing homozygosity for the UROS C73R mutation, which is known to cause a severe phenotype (Wang_2015). This supports its presence in the setting of an alternate molecular basis of disease supporting a benign role for this variant in that setting. To our knowledge, no experimental evidence demonstrating an impact on protein function has been reported. Four clinical diagnostic laboratories have submitted clinical-significance assessments for this variant to ClinVar after 2014 without evidence for independent evaluation. All laboratories classified the variant as uncertain significance. Based on the evidence outlined above, the variant was classified as likely benign.

GeneDx
Classification: Uncertain significance. Last evaluated: 2017-11-03. Review status: criteria provided, single submitter. Criteria: GeneDx Variant Classification (06012015). Collection method: clinical testing. Allele origin: germline. Affected: yes.
Comment: This variant is denoted APC c.721G>A at the cDNA level and p.Glu241Lys (E241K) at the protein level, and results in the change of a Glutamic acid to a Lysine (GAA>AAA). This variant, published as APC c.739G>A using alternate nomenclature, reportedly did not segregate with disease in a hereditary colorectal cancer kindred and was also seen in individuals with sporadic colorectal cancer and population-based controls (Zhou 2004). APC Glu241Lys was also identified in siblings with adenomatous polyposis who also harbored biallelic MUTYH pathogenic variants (Kanter-Smoler 2006) and in at least one individual referred for hereditary cancer testing (Yorcyzk 2014). APC Glu241Lys was observed at an allele frequency of 0.08% (20/25776) in individuals of European (Non-Finnish) ancestry in large population cohorts (Lek 2016). Since Glutamic acid and Lysine differ in polarity, charge, size or other properties, this is considered a non-conservative amino acid substitution. APC Glu241Lys occurs at a position that is conserved across species and is not located in a known functional domain. In silico analyses are inconsistent regarding the effect this variant may have on protein structure and function. Based on currently available evidence, it is unclear whether APC Glu241Lys is pathogenic or benign. We consider it to be a variant of uncertain significance.

Literature cited by the submitters: PubMed 15122587 (cited by 4 submitters); PubMed 29371908 (cited by 4 submitters); PubMed 16616356 (cited by Ambry Genetics and Women's Health and Genetics/Laboratory Corporation of America, LabCorp); PubMed 25318351 (cited by Ambry Genetics and Women's Health and Genetics/Laboratory Corporation of America, LabCorp); PubMed 26338694 (cited by Women's Health and Genetics/Laboratory Corporation of America, LabCorp).

NM_000038.6(APC):c.721G>A (p.Glu241Lys)

Gene: APC (APC regulator of Wnt signaling pathway; plus strand). Cytogenetic location: 5q22.2.
Variant type: single nucleotide variant.
Coding change: c.721G>A on transcript NM_000038.6 (MANE Select); coding-DNA position 721, G replaced by A.
Protein change: p.Glu241Lys; replaces glutamic acid 241 with lysine.
Molecular consequence: missense variant. On other transcripts: 5 prime UTR variant (1), intron variant (2).
Genome position (GRCh38, 1-based): chr5:112,792,521, G>A. VCF-style: chr5-112792521-G-A. GRCh37 (hg19) VCF-style: chr5-112128218-G-A.
Other names: p.Glu241Lys; c.721G>A, p.Glu241Lys (NM_001127510.3, NM_001354895.2, NM_001354896.2 and 1 more transcripts); c.751G>A, p.Glu251Lys (NM_001354897.2, NM_001354902.2); c.646G>A, p.Glu216Lys (NM_001354898.2, NM_001354904.2); c.544G>A, p.Glu182Lys (NM_001354900.2, NM_001354901.2, NM_001354905.2); c.-315G>A (NM_001354906.2); c.676-8758G>A (NM_001127511.3); c.646-8758G>A (NM_001354899.2); short protein forms E241K, E182K, E216K, E251K.
Identifiers: ClinVar variation 243106 (VCV000243106.41), dbSNP rs777603154, ClinGen allele CA047252.